The following is an entry in ClinVar:

NM_144596.4(TTC8):c.-3G>T

Gene: TTC8 (tetratricopeptide repeat domain 8; plus strand). Cytogenetic location: 14q31.3.
Variant type: single nucleotide variant.
Coding change: c.-3G>T on transcript NM_144596.4 (MANE Select); 3 bases upstream of the start codon, G replaced by T.
Molecular consequence: 5 prime UTR variant. On other transcripts: non-coding transcript variant (1).
Genome position (GRCh38, 1-based): chr14:88,824,705, G>T. VCF-style: chr14-88824705-G-T. GRCh37 (hg19) VCF-style: chr14-89291049-G-T.
Other names: c.-3G>T (NM_001288781.1, NM_001366535.2, NM_001366536.2 and 2 more transcripts); c.-565G>T (NM_001288782.1); c.-660G>T (NM_001288783.1).
Identifiers: ClinVar variation 3349876 (VCV003349876.1).

ClinVar aggregate classification (germline): Uncertain significance (0 of 4 stars; one submission).

Conditions:
TTC8-related disorder. Also called: TTC8-related condition.

gnomAD v4.1: 9 of 1,604,378 alleles (0.00056%); highest among the groups gnomAD compares: Non-Finnish European, 0.00077%; no homozygotes.

Submission:

PreventionGenetics, part of Exact Sciences
Classification: Uncertain significance for TTC8-related condition. Last evaluated: 2024-01-11. Review status: no assertion criteria provided. Collection method: clinical testing. Allele origin: germline.
Comment: The TTC8 c.-3G>T variant is located in the 5' untranslated region. To our knowledge, this variant has not been reported in the literature. This variant is reported in 0.00098% of alleles in individuals of European (Non-Finnish) descent in gnomAD. At this time, the clinical significance of this variant is uncertain due to the absence of conclusive functional and genetic evidence.